The following is an entry in ClinVar:

ClinVar aggregate classification (germline): Likely benign (1 of 4 stars; one submission).

Allele frequency attached by ClinVar (database versions not stated): gnomAD exomes 0.00001; TOPMed 0.00001.
gnomAD v4.1: 10 of 1,613,502 alleles (0.00062%); highest among the groups gnomAD compares: Middle Eastern, 0.017%; no homozygotes.

Submission:

CeGaT Center for Human Genetics Tuebingen
Classification: Likely benign. Last evaluated: 2023-02-01. Review status: criteria provided, single submitter. Criteria: CeGaT Center For Human Genetics Tuebingen Variant Classification Criteria Version 2. Collection method: clinical testing. Allele origin: germline. Affected: yes. Observed: 1 variant allele.
Comment: SCN7A: BP4, BP7

NM_002976.4(SCN7A):c.1479A>G (p.Lys493=)

Gene: SCN7A (sodium voltage-gated channel alpha subunit 7; minus strand). Cytogenetic location: 2q24.3.
Variant type: single nucleotide variant.
Coding change: c.1479A>G on transcript NM_002976.4 (MANE Select); coding-DNA position 1479, A replaced by G.
Protein change: p.Lys493=; no amino-acid change (lysine 493 retained).
Molecular consequence: synonymous variant. On other transcripts: non-coding transcript variant (1).
Genome position (GRCh38, 1-based): chr2:166,444,909, T>C on the plus strand (A>G on the coding strand, the complement: SCN7A is on the minus strand). VCF-style: chr2-166444909-T-C. GRCh37 (hg19) VCF-style: chr2-167301419-T-C.
Identifiers: ClinVar variation 2651510 (VCV002651510.24), dbSNP rs757319112, ClinGen allele CA59856811.